The following is an entry in ClinVar:

NM_004385.5(VCAN):c.8683G>A (p.Asp2895Asn)

Genes: VCAN (versican; plus strand), VCAN-AS1 (VCAN antisense RNA 1; minus strand). Cytogenetic location: 5q14.3.
Variant type: single nucleotide variant.
Coding change: c.8683G>A on transcript NM_004385.5 (MANE Select); coding-DNA position 8683, G replaced by A.
Protein change: p.Asp2895Asn; replaces aspartic acid 2895 with asparagine.
Molecular consequence: missense variant. On other transcripts: intron variant (2).
Genome position (GRCh38, 1-based): chr5:83,541,686, G>A. VCF-style: chr5-83541686-G-A. GRCh37 (hg19) VCF-style: chr5-82837505-G-A.
Other names: c.5722G>A, p.Asp1908Asn (NM_001164097.2); c.4004-3851G>A (NM_001164098.2); c.1043-3851G>A (NM_001126336.3); short protein forms D1908N, D2895N.
Identifiers: ClinVar variation 4730142 (VCV004730142.1).

ClinVar aggregate classification (germline): Uncertain significance (1 of 4 stars; one submission).

Submission:

Labcorp Genetics (formerly Invitae), Labcorp
Classification: Uncertain significance. Last evaluated: 2025-10-29. Review status: criteria provided, single submitter. Criteria: Invitae Variant Classification Sherloc (09022015). Collection method: clinical testing. Allele origin: germline.
Comment: This sequence change replaces aspartic acid, which is acidic and polar, with asparagine, which is neutral and polar, at codon 2895 of the VCAN protein (p.Asp2895Asn). This variant is not present in population databases (gnomAD no frequency). This variant has not been reported in the literature in individuals affected with VCAN-related conditions. An algorithm developed to predict the effect of missense changes on protein structure and function outputs the following: PolyPhen-2: "Benign". The asparagine amino acid residue is found in multiple mammalian species, which suggests that this missense change does not adversely affect protein function. In summary, the available evidence is currently insufficient to determine the role of this variant in disease. Therefore, it has been classified as a Variant of Uncertain Significance.